The following is an entry in ClinVar:

ClinVar aggregate classification (germline): Conflicting classifications of pathogenicity. Review status: criteria provided, conflicting classifications (1 of 4 stars). 2 submissions from 1 submitter: Uncertain significance (1); Benign (1). Last evaluated 2018-01-12.

Conditions:
Retinitis pigmentosa (RP). Identifiers: Orphanet 791, MedGen C0035334, MeSH D012174, MONDO:0019200, OMIM 268000. Inheritance: Autosomal dominant, autosomal recessive and X linked inheritance.
Congenital stationary night blindness autosomal dominant 1. Also called: NIGHT BLINDNESS, CONGENITAL STATIONARY, RHODOPSIN-RELATED. Identifiers: Orphanet 215, MedGen C1864869, MONDO:0012498, OMIM 610445.

Allele frequency attached by ClinVar (database versions not stated): gnomAD below 0.00001 and 0.00007; TOPMed 0.00001; 1000 Genomes Project 30x 0.00109; 1000 Genomes Project 0.00140.

Submissions (2):

Illumina Laboratory Services, Illumina
Classification: Uncertain significance for Retinitis pigmentosa. Last evaluated: 2018-01-12. Review status: criteria provided, single submitter. Criteria: ICSL Variant Classification Criteria 13 December 2019. Collection method: clinical testing. Allele origin: germline.

Illumina Laboratory Services, Illumina
Classification: Benign for Congenital stationary night blindness autosomal dominant 1. Last evaluated: 2018-01-12. Review status: criteria provided, single submitter. Criteria: ICSL Variant Classification Criteria 13 December 2019. Collection method: clinical testing. Allele origin: germline.
Comment: This variant was observed in the ICSL laboratory as part of a predisposition screen in an ostensibly healthy population. It had not been previously curated by ICSL or reported in the Human Gene Mutation Database (HGMD: prior to June 1st, 2018), and was therefore a candidate for classification through an automated scoring system. Utilizing variant allele frequency, disease prevalence and penetrance estimates, and inheritance mode, an automated score was calculated to assess if this variant is too frequent to cause the disease. Based on the score and internal cut-off values, a variant classified as benign is not then subjected to further curation. The score for this variant resulted in a classification of benign for this disease.

NM_000539.3(RHO):c.*959A>G

Gene: RHO (rhodopsin; plus strand). Cytogenetic location: 3q22.1.
Variant type: single nucleotide variant.
Coding change: c.*959A>G on transcript NM_000539.3 (MANE Select); 959 bases downstream of the stop codon, A replaced by G.
Molecular consequence: 3 prime UTR variant.
Genome position (GRCh38, 1-based): chr3:129,534,677, A>G. VCF-style: chr3-129534677-A-G. GRCh37 (hg19) VCF-style: chr3-129253520-A-G.
Identifiers: ClinVar variation 976629 (VCV000976629.4), dbSNP rs368910470, ClinGen allele CA82621833.